The following is an entry in ClinVar:

ClinVar aggregate classification (germline): Likely benign (1 of 4 stars; one submission).

Conditions:
PKD1-related disorder. Also called: PKD1-related condition.

gnomAD v4.1: 3 of 1,575,240 alleles (0.00019%); highest among the groups gnomAD compares: Admixed American, 0.0018%; no homozygotes.

Submission:

PreventionGenetics, part of Exact Sciences
Classification: Likely benign for PKD1-related condition. Last evaluated: 2026-02-12. Review status: criteria provided, single submitter. Criteria: ACMG Guidelines, 2015. Collection method: clinical testing. Allele origin: germline.
Comment: This variant is classified as likely benign based on ACMG/AMP sequence variant interpretation guidelines (Richards et al. 2015 PMID: 25741868, with internal and published modifications).

NM_001009944.3(PKD1):c.3501C>A (p.Ser1167=)

Gene: PKD1 (polycystin 1, transient receptor potential channel interacting; minus strand). Cytogenetic location: 16p13.3.
Variant type: single nucleotide variant.
Coding change: c.3501C>A on transcript NM_001009944.3 (MANE Select); coding-DNA position 3501, C replaced by A.
Protein change: p.Ser1167=; no amino-acid change (serine 1167 retained).
Molecular consequence: synonymous variant.
Genome position (GRCh38, 1-based): chr16:2,111,666, G>T on the plus strand (C>A on the coding strand, the complement: PKD1 is on the minus strand). VCF-style: chr16-2111666-G-T. GRCh37 (hg19) VCF-style: chr16-2161667-G-T.
Other names: c.3501C>A, p.Ser1167= (NM_000296.4).
Identifiers: ClinVar variation 4990980 (VCV004990980.1).
Genomic context (GRCh38, chr16:2,111,666, plus strand): 5'-GTAGGTGCCCCTCGAGGCATAGGTGTGGTTGGCAGCCGGCTGGCTCTGGGTCAGGACAGG[G>T]GAGCCGTCCCCGAAGTCCCACGTGTAAAGAACACCCCCAGGCGAGGGCAGCGGGTGCGGG-3'
Protein context (NP_001009944.3, residues 1157-1177): VLYTWDFGDG[Ser1167=]PVLTQSQPAA